The following is an entry in ClinVar:

NM_025114.4(CEP290):c.2873C>T (p.Ser958Phe)

Gene: CEP290 (centrosomal protein 290; minus strand). Cytogenetic location: 12q21.32.
Variant type: single nucleotide variant.
Coding change: c.2873C>T on transcript NM_025114.4 (MANE Select); coding-DNA position 2873, C replaced by T.
Protein change: p.Ser958Phe; replaces serine 958 with phenylalanine.
Molecular consequence: missense variant.
Genome position (GRCh38, 1-based): chr12:88,102,956, G>A on the plus strand (C>T on the coding strand, the complement: CEP290 is on the minus strand). VCF-style: chr12-88102956-G-A. GRCh37 (hg19) VCF-style: chr12-88496733-G-A.
Other names: short protein forms S958F.
Identifiers: ClinVar variation 700166 (VCV000700166.22), dbSNP rs546463648, ClinGen allele CA6712248.

ClinVar aggregate classification (germline): Conflicting classifications of pathogenicity. Review status: criteria provided, conflicting classifications (1 of 4 stars). 11 submissions from 7 submitters: Uncertain significance (6); Likely benign (3). 2 of the submissions do not count toward it. Last evaluated 2026-05-01.

Conditions:
CEP290-related disorder. Also called: CEP290-related disorders; CEP290-related condition. Identifiers: MedGen CN239314.
Leber congenital amaurosis (LCA). Also called: Leber's amaurosis. Identifiers: Orphanet 65, MedGen C0339527, MeSH D057130, MONDO:0018998.
Leber congenital amaurosis 10 (LCA10). Identifiers: Orphanet 65, MedGen C1857821, MONDO:0012723, OMIM 611755.
Bardet-Biedl syndrome 14 (BBS14). Identifiers: Orphanet 110, MedGen C2673874, MONDO:0014442, OMIM 615991.
Joubert syndrome 5 (JBTS5). Identifiers: Orphanet 2318, MedGen C1857780, MONDO:0012432, OMIM 610188.
Senior-Loken syndrome 6 (SLSN6). Identifiers: Orphanet 3156, MedGen C1857779, MONDO:0012433, OMIM 610189.
Meckel syndrome, type 4 (MKS4). Also called: MECKEL-GRUBER SYNDROME, TYPE 4. Identifiers: Orphanet 564, MedGen C1970161, MONDO:0012626, OMIM 611134.
Genetic developmental and epileptic encephalopathy. Identifiers: MedGen CN379639, MONDO:0100062.
Nephronophthisis. Also called: Juvenile Nephronophthisis. Identifiers: Orphanet 655, MedGen C0687120, MONDO:0019005, HP:0000090.
Meckel-Gruber syndrome. Also called: Dysencephalia splachnocystica; GRUBER SYNDROME; DYSENCEPHALIA SPLANCHNOCYSTICA. Identifiers: Orphanet 564, MedGen C0265215, MONDO:0018921.
Joubert syndrome. Also called: Familial aplasia of the vermis; JOUBERT-BOLTSHAUSER SYNDROME. Identifiers: Orphanet 475, MedGen C5979921, MONDO:0018772.

Allele frequency attached by ClinVar (database versions not stated): gnomAD 0.00001 and 0.00008; TOPMed 0.00002; gnomAD exomes 0.00042; ExAC 0.00068; 1000 Genomes Project 30x 0.00078; 1000 Genomes Project 0.00080.
gnomAD v4.1: 283 of 1,594,060 alleles (0.018%); highest among the groups gnomAD compares: South Asian, 0.31%; 1 homozygote.

Submissions (11):

CeGaT Center for Human Genetics Tuebingen
Classification: Likely benign. Last evaluated: 2026-05-01. Review status: criteria provided, single submitter. Criteria: CeGaT Center For Human Genetics Tuebingen Variant Classification Criteria Version 2. Collection method: clinical testing. Allele origin: germline. Affected: yes. Observed: 1 variant allele.
Comment: CEP290: BP4

Labcorp Genetics (formerly Invitae), Labcorp
Classification: Likely benign for Joubert syndrome; Meckel-Gruber syndrome; Nephronophthisis. Last evaluated: 2025-12-29. Review status: criteria provided, single submitter. Criteria: Invitae Variant Classification Sherloc (09022015). Collection method: clinical testing. Allele origin: germline.

Blueprint Genetics
Classification: Uncertain significance. Last evaluated: 2024-10-15. Review status: criteria provided, single submitter. Criteria: ACMG Guidelines, 2015. Collection method: clinical testing. Allele origin: germline.

Cambridge Genomics Laboratory, East Genomic Laboratory Hub, NHS Genomic Medicine Service
Classification: Uncertain significance for Genetic developmental and epileptic encephalopathy. Last evaluated: 2020-04-23. Review status: criteria provided, single submitter. Criteria: ACGS Best Practice Guidelines for Variant Classification in Rare Disease 2020. Collection method: clinical testing. Allele origin: germline. Affected: yes. Observed: 1 variant allele.

Illumina Laboratory Services, Illumina
Classification: Uncertain significance for Joubert syndrome 5. Last evaluated: 2017-04-28. Review status: criteria provided, single submitter. Criteria: ICSL Variant Classification Criteria 13 December 2019. Collection method: clinical testing. Allele origin: germline.

Illumina Laboratory Services, Illumina
Classification: Uncertain significance for Leber congenital amaurosis 10. Last evaluated: 2017-04-28. Review status: criteria provided, single submitter. Criteria: ICSL Variant Classification Criteria 13 December 2019. Collection method: clinical testing. Allele origin: germline.

Illumina Laboratory Services, Illumina
Classification: Uncertain significance for Meckel syndrome, type 4. Last evaluated: 2017-04-28. Review status: criteria provided, single submitter. Criteria: ICSL Variant Classification Criteria 13 December 2019. Collection method: clinical testing. Allele origin: germline.

Illumina Laboratory Services, Illumina
Classification: Likely benign for Senior-Loken syndrome 6. Last evaluated: 2017-04-28. Review status: criteria provided, single submitter. Criteria: ICSL Variant Classification Criteria 13 December 2019. Collection method: clinical testing. Allele origin: germline.
Comment: This variant was observed as part of a predisposition screen in an ostensibly healthy population. A literature search was performed for the gene, cDNA change, and amino acid change (where applicable). No publications were found based on this search. Allele frequency data from public databases allowed determination this variant is unlikely to cause disease. Therefore, this variant is classified as likely benign.

Illumina Laboratory Services, Illumina
Classification: Uncertain significance for Bardet-Biedl syndrome 14. Last evaluated: 2017-04-28. Review status: criteria provided, single submitter. Criteria: ICSL Variant Classification Criteria 13 December 2019. Collection method: clinical testing. Allele origin: germline.

PreventionGenetics, part of Exact Sciences
Classification: Likely benign for CEP290-related condition. Last evaluated: 2023-03-03. Review status: no assertion criteria provided. Collection method: clinical testing. Allele origin: germline. Not counted in ClinVar's aggregate classification.
Comment: This variant is classified as likely benign based on ACMG/AMP sequence variant interpretation guidelines (Richards et al. 2015 PMID: 25741868, with internal and published modifications).

Natera, Inc.
Classification: Uncertain significance for Leber congenital amaurosis. Last evaluated: 2020-02-13. Review status: no assertion criteria provided. Collection method: clinical testing. Allele origin: germline. Not counted in ClinVar's aggregate classification.